The following is an entry in ClinVar:

ClinVar aggregate classification (germline): Benign. Review status: criteria provided, multiple submitters, no conflicts (2 of 4 stars). 2 submissions from 2 submitters: Benign (2). Last evaluated 2018-06-19.

Allele frequency attached by ClinVar (database versions not stated): gnomAD exomes 0.71644; gnomAD 0.76226; 1000 Genomes Project 0.76857; 1000 Genomes Project 30x 0.77030; TOPMed 0.77140.
gnomAD v4.1: 1,094,526 of 1,517,950 alleles (72%); highest among the groups gnomAD compares: African/African-American, 87%; 396,985 homozygotes.

Submissions (2):

GeneDx
Classification: Benign. Last evaluated: 2018-06-19. Review status: criteria provided, single submitter. Criteria: GeneDx Variant Classification (06012015). Collection method: clinical testing. Allele origin: germline. Affected: yes.
Comment: This variant is considered likely benign or benign based on one or more of the following criteria: it is a conservative change, it occurs at a poorly conserved position in the protein, it is predicted to be benign by multiple in silico algorithms, and/or has population frequency not consistent with disease.

Breakthrough Genomics
Classification: Benign. Review status: criteria provided, single submitter. Criteria: ACMG Guidelines, 2015. Collection method: not provided. Allele origin: germline. Inheritance: Autosomal recessive inheritance. Affected: yes.

NM_002615.7(SERPINF1):c.644-96G>C

Gene: SERPINF1 (serpin family F member 1; plus strand). Cytogenetic location: 17p13.3.
Variant type: single nucleotide variant.
Coding change: c.644-96G>C on transcript NM_002615.7 (MANE Select); 96 bases into the intron before coding-DNA position 644, G replaced by C.
Molecular consequence: intron variant.
Genome position (GRCh38, 1-based): chr17:1,774,962, G>C. VCF-style: chr17-1774962-G-C. GRCh37 (hg19) VCF-style: chr17-1678256-G-C.
Other names: c.83-96G>C (NM_001329904.2, NM_001329905.2); c.644-96G>C (NM_001329903.2).
Identifiers: ClinVar variation 674946 (VCV000674946.2), dbSNP rs2269344, ClinGen allele CA14415001.